The following is an entry in ClinVar:

ClinVar aggregate classification (germline): Uncertain significance. Review status: criteria provided, multiple submitters, no conflicts (2 of 4 stars). 3 submissions from 3 submitters: Uncertain significance (3). Last evaluated 2025-11-24.

Conditions:
Mitochondrial DNA depletion syndrome, myopathic form (MTDPS2). Also called: MITOCHONDRIAL DNA DEPLETION SYNDROME 2 (MYOPATHIC TYPE); TK2-Related Mitochondrial DNA Maintenance Defect, Myopathic Form; MITOCHONDRIAL DNA DEPLETION MYOPATHY, TK2-RELATED. Identifiers: Orphanet 254875, MedGen C3149750, MONDO:0012301, OMIM 609560.
Mitochondrial disease. Also called: Mitochondrial disorder; Mitochondrial disorders. Identifiers: Orphanet 68380, MedGen C0751651, MeSH D028361, MONDO:0044970.

Allele frequency attached by ClinVar (database versions not stated): gnomAD exomes 0.00001 and 0.00002; ExAC 0.00002.

Submissions (3):

Genomenon, Inc
Classification: Uncertain significance for Mitochondrial disease. Last evaluated: 2025-11-24. Review status: criteria provided, single submitter. Criteria: Genomenon Sequence Variant Interpretation Standards - Updated. Collection method: curation. Allele origin: germline. Affected: yes.
Comment: TK2 p.Gln125His (c.375G>C) is a missense variant that changes the amino acid at residue 125 from Glutamine to Histidine. This variant has been observed in a proband affected with mitochondrial disease in the compound heterozygous state (29602790). This variant is not present at a significant frequency in gnomAD and in silico models agree that this variant is possibly or probably damaging. In conclusion, we classify TK2 p.Gln125His (c.375G>C) as a variant of uncertain significance.

Neuberg Centre For Genomic Medicine, NCGM
Classification: Uncertain significance for Mitochondrial DNA depletion syndrome, myopathic form. Last evaluated: 2023-05-20. Review status: criteria provided, single submitter. Criteria: ACMG Guidelines, 2015. Collection method: clinical testing. Allele origin: germline. Inheritance: Autosomal recessive inheritance. Affected: yes.
Comment: The observed missense / splice region variant c.375G>C(p.Gln125His) in TK2 gene has not been reported previously as a pathogenic variant nor as a benign variant, to our knowledge. The c.375G>C variant has 0.002% allele frequency in gnomAD Exomes. This variant has been reported to the ClinVar database as Uncertain Significance. However, no details are available for independent assessment. The amino acid Glutamine at position 125 is changed to a Histidine changing protein sequence and it might alter its composition and physico-chemical properties. Computational evidence (Polyphen, SIFT and Mutation Taster) predicts conflicting evidence on protein structure and function for this variant. The reference amino acid p.Gln125His in TK2 is predicted as conserved by GERP++ and PhyloP across 100 vertebrates. For these reasons, this variant has been classified as Uncertain Significance.

CeGaT Center for Human Genetics Tuebingen
Classification: Uncertain significance. Last evaluated: 2016-07-01. Review status: criteria provided, single submitter. Criteria: CeGaT Center For Human Genetics Tuebingen Variant Classification Criteria Version 2. Collection method: clinical testing. Allele origin: germline. Affected: yes. Observed: 1 variant allele.

Literature cited by the submitters: PubMed 29602790 (cited by Genomenon, Inc).

NM_004614.5(TK2):c.375G>C (p.Gln125His)

Gene: TK2 (thymidine kinase 2; minus strand). Cytogenetic location: 16q21.
Variant type: single nucleotide variant.
Coding change: c.375G>C on transcript NM_004614.5 (MANE Select); coding-DNA position 375, G replaced by C.
Protein change: p.Gln125His; replaces glutamine 125 with histidine.
Molecular consequence: missense variant. On other transcripts: non-coding transcript variant (1).
Genome position (GRCh38, 1-based): chr16:66,531,380, C>G on the plus strand (G>C on the coding strand, the complement: TK2 is on the minus strand). VCF-style: chr16-66531380-C-G. GRCh37 (hg19) VCF-style: chr16-66565283-C-G.
Other names: c.282G>C, p.Gln94His (NM_001172643.1, NM_001271935.1); c.300G>C, p.Gln100His (NM_001172644.2); c.321G>C, p.Gln107His (NM_001172645.2); c.228G>C, p.Gln76His (NM_001271934.2); c.84G>C, p.Gln28His (NM_001272050.2); c.375G>C (NM_004614.4); short protein forms Q125H, Q107H, Q76H, Q100H, Q94H, Q28H.
Identifiers: ClinVar variation 374701 (VCV000374701.48), dbSNP rs760389661, ClinGen allele CA8093702.